The following is an entry in ClinVar:

NM_017999.5(RNF31):c.2550G>C (p.Met850Ile)

Gene: RNF31 (ring finger protein 31; plus strand). Cytogenetic location: 14q12.
Variant type: single nucleotide variant.
Coding change: c.2550G>C on transcript NM_017999.5 (MANE Select); coding-DNA position 2550, G replaced by C.
Protein change: p.Met850Ile; replaces methionine 850 with isoleucine.
Molecular consequence: missense variant.
Genome position (GRCh38, 1-based): chr14:24,157,346, G>C. VCF-style: chr14-24157346-G-C. GRCh37 (hg19) VCF-style: chr14-24626555-G-C.
Other names: c.2097G>C, p.Met699Ile (NM_001310332.2); short protein forms M850I, M699I.
Identifiers: ClinVar variation 1935206 (VCV001935206.5), dbSNP rs771931330, ClinGen allele CA389305289.

ClinVar aggregate classification (germline): Uncertain significance (1 of 4 stars; one submission).

Allele frequency attached by ClinVar (database versions not stated): gnomAD exomes below 0.00001; TOPMed below 0.00001; gnomAD 0.00001.

Submission:

Labcorp Genetics (formerly Invitae), Labcorp
Classification: Uncertain significance. Last evaluated: 2024-10-29. Review status: criteria provided, single submitter. Criteria: Invitae Variant Classification Sherloc (09022015). Collection method: clinical testing. Allele origin: germline.
Comment: This sequence change replaces methionine, which is neutral and non-polar, with isoleucine, which is neutral and non-polar, at codon 850 of the RNF31 protein (p.Met850Ile). This variant is not present in population databases (gnomAD no frequency). This variant has not been reported in the literature in individuals affected with RNF31-related conditions. ClinVar contains an entry for this variant (Variation ID: 1935206). An algorithm developed to predict the effect of missense changes on protein structure and function (PolyPhen-2) suggests that this variant is likely to be tolerated. In summary, the available evidence is currently insufficient to determine the role of this variant in disease. Therefore, it has been classified as a Variant of Uncertain Significance.